The following is an entry in ClinVar:

NM_000059.4(BRCA2):c.8451T>C (p.Cys2817=)

Gene: BRCA2 (BRCA2 DNA repair associated; plus strand). Cytogenetic location: 13q13.1.
Variant type: single nucleotide variant.
Coding change: c.8451T>C on transcript NM_000059.4 (MANE Select); coding-DNA position 8451, T replaced by C.
Protein change: p.Cys2817=; no amino-acid change (cysteine 2817 retained).
Molecular consequence: synonymous variant.
Genome position (GRCh38, 1-based): chr13:32,370,521, T>C. VCF-style: chr13-32370521-T-C. GRCh37 (hg19) VCF-style: chr13-32944658-T-C.
Identifiers: ClinVar variation 427403 (VCV000427403.4), dbSNP rs397507987, ClinGen allele CA483261267.
Genomic context (GRCh38, chr13:32,370,521, plus strand): 5'-CCCTAGACCTTTTCCTCTGCCCTTATCATCGCTTTTCAGTGATGGAGGAAATGTTGGTTG[T>C]GTTGATGTAATTATTCAAAGAGCATACCCTATACAGGTATGATGTATTCTTGAAACTTAC-3'
Protein context (NP_000050.3, residues 2807-2827): SLFSDGGNVG[Cys2817=]VDVIIQRAYP

ClinVar aggregate classification (germline): Likely benign. Review status: reviewed by expert panel (3 of 4 stars). 2 submissions from 2 submitters: Likely benign (1). 1 of the submissions does not count toward it. Last evaluated 2017-06-29.

Conditions:
Hereditary cancer-predisposing syndrome. Also called: Hereditary neoplastic syndrome; Hereditary Cancer Syndrome; Neoplastic Syndromes, Hereditary; Tumor predisposition. Identifiers: Orphanet 140162, MedGen C0027672, MeSH D009386, MONDO:0015356.
Breast-ovarian cancer, familial, susceptibility to, 2 (BROVCA2). Also called: BRCA2 Hereditary Breast and Ovarian Cancer. Identifiers: Orphanet 145, MedGen C2675520, MONDO:0012933, OMIM 612555. Disease mechanism: loss of function.

Allele frequency attached by ClinVar (database versions not stated): gnomAD exomes below 0.00001.
gnomAD v4.1: 1 of 1,613,906 alleles (0.000062%); highest among the groups gnomAD compares: Non-Finnish European, 0.000085%; no homozygotes.

Submissions (2):

Evidence-based Network for the Interpretation of Germline Mutant Alleles (ENIGMA)
Classification: Likely benign for Breast-ovarian cancer, familial, susceptibility to, 2. Last evaluated: 2017-06-29. Review status: reviewed by expert panel. Criteria: ENIGMA BRCA1/2 Classification Criteria (2017-06-29). Collection method: curation. Allele origin: germline.
Comment: Synonymous substitution variant, with low bioinformatic likelihood to result in a splicing aberration (Splicing prior probability 0.02).

Ambry Genetics
Classification: Likely benign for Hereditary cancer-predisposing syndrome. Last evaluated: 2025-06-24. Review status: criteria provided, single submitter. Criteria: Ambry Variant Classification Scheme 2023. Collection method: clinical testing. Allele origin: germline. Not counted in ClinVar's aggregate classification.